The following is an entry in ClinVar:

NM_007144.3(PCGF2):c.908C>T (p.Pro303Leu)

Genes: CISD3 (CDGSH iron sulfur domain 3; plus strand), PCGF2 (polycomb group ring finger 2; minus strand). Cytogenetic location: 17q12.
Variant type: single nucleotide variant.
Coding change: c.908C>T on transcript NM_007144.3 (MANE Select); coding-DNA position 908, C replaced by T.
Protein change: p.Pro303Leu; replaces proline 303 with leucine.
Molecular consequence: missense variant. On other transcripts: 3 prime UTR variant (1).
Genome position (GRCh38, 1-based): chr17:38,735,350, G>A on the plus strand (C>T on the coding strand, the complement: PCGF2 is on the minus strand). VCF-style: chr17-38735350-G-A. GRCh37 (hg19) VCF-style: chr17-36891603-G-A.
Other names: c.908C>T (NM_007144.2); c.*1895G>A (NM_001136498.2); c.908C>T, p.Pro303Leu (NM_001369614.1, NM_001369615.1); short protein forms P303L.
Identifiers: ClinVar variation 1362400 (VCV001362400.7), dbSNP rs1350932686, ClinGen allele CA398819715.

ClinVar aggregate classification (germline): Uncertain significance. Review status: criteria provided, multiple submitters, no conflicts (2 of 4 stars). 2 submissions from 2 submitters: Uncertain significance (2). Last evaluated 2025-10-28.

Conditions:
Inborn genetic diseases. Identifiers: MedGen C0950123, MeSH D030342.

Allele frequency attached by ClinVar (database versions not stated): TOPMed below 0.00001; gnomAD exomes 0.00002.

Submissions (2):

Labcorp Genetics (formerly Invitae), Labcorp
Classification: Uncertain significance. Last evaluated: 2025-10-28. Review status: criteria provided, single submitter. Criteria: Invitae Variant Classification Sherloc (09022015). Collection method: clinical testing. Allele origin: germline.
Comment: This sequence change replaces proline, which is neutral and non-polar, with leucine, which is neutral and non-polar, at codon 303 of the PCGF2 protein (p.Pro303Leu). The frequency data for this variant in the population databases is considered unreliable, as metrics indicate poor data quality at this position in the gnomAD database. This variant has not been reported in the literature in individuals affected with PCGF2-related conditions. ClinVar contains an entry for this variant (Variation ID: 1362400). An algorithm developed to predict the effect of missense changes on protein structure and function (PolyPhen-2) suggests that this variant is likely to be tolerated. In summary, the available evidence is currently insufficient to determine the role of this variant in disease. Therefore, it has been classified as a Variant of Uncertain Significance.

Ambry Genetics
Classification: Uncertain significance for Inborn genetic diseases. Last evaluated: 2025-10-22. Review status: criteria provided, single submitter. Criteria: Ambry Variant Classification Scheme 2023. Collection method: clinical testing. Allele origin: germline.